The following is an entry in ClinVar:

NM_000245.4(MET):c.3079C>G (p.Pro1027Ala)

Gene: MET (MET proto-oncogene, receptor tyrosine kinase; plus strand). Cytogenetic location: 7q31.2.
Variant type: single nucleotide variant.
Coding change: c.3079C>G on transcript NM_000245.4 (MANE Select); coding-DNA position 3079, C replaced by G.
Protein change: p.Pro1027Ala; replaces proline 1027 with alanine.
Molecular consequence: missense variant.
Genome position (GRCh38, 1-based): chr7:116,774,931, C>G. VCF-style: chr7-116774931-C-G. GRCh37 (hg19) VCF-style: chr7-116414985-C-G.
Other names: c.3133C>G, p.Pro1045Ala (NM_001127500.3); c.1789C>G, p.Pro597Ala (NM_001324402.2); short protein forms P1027A, P1045A, P597A.
Identifiers: ClinVar variation 849451 (VCV000849451.11), dbSNP rs373419003, ClinGen allele CA164906903.

ClinVar aggregate classification (germline): Uncertain significance. Review status: criteria provided, multiple submitters, no conflicts (2 of 4 stars). 2 submissions from 2 submitters: Uncertain significance (2). Last evaluated 2024-12-16.

Conditions:
Renal cell carcinoma. Identifiers: Orphanet 217071, MedGen C0007134, MeSH D002292, MONDO:0005086, HP:0005584.
Hereditary cancer-predisposing syndrome. Also called: Tumor predisposition; Neoplastic Syndromes, Hereditary; Hereditary neoplastic syndrome; Hereditary Cancer Syndrome. Identifiers: Orphanet 140162, MedGen C0027672, MeSH D009386, MONDO:0015356.

Allele frequency attached by ClinVar (database versions not stated): ESP Exome Variant Server 0.00008.

Submissions (2):

Ambry Genetics
Classification: Uncertain significance for Hereditary cancer-predisposing syndrome. Last evaluated: 2024-12-16. Review status: criteria provided, single submitter. Criteria: Ambry Variant Classification Scheme 2023. Collection method: clinical testing. Allele origin: germline.
Comment: The p.P1045A variant (also known as c.3133C>G), located in coding exon 14 of the MET gene, results from a C to G substitution at nucleotide position 3133. The proline at codon 1045 is replaced by alanine, an amino acid with highly similar properties. This amino acid position is well conserved in available vertebrate species. In addition, this alteration is predicted to be tolerated by in silico analysis. Since supporting evidence is limited at this time, the clinical significance of this alteration remains unclear.

Labcorp Genetics (formerly Invitae), Labcorp
Classification: Uncertain significance for Renal cell carcinoma. Last evaluated: 2023-02-10. Review status: criteria provided, single submitter. Criteria: Invitae Variant Classification Sherloc (09022015). Collection method: clinical testing. Allele origin: germline.
Comment: Algorithms developed to predict the effect of missense changes on protein structure and function (SIFT, PolyPhen-2, Align-GVGD) all suggest that this variant is likely to be tolerated. ClinVar contains an entry for this variant (Variation ID: 849451). This variant has not been reported in the literature in individuals affected with MET-related conditions. This variant is not present in population databases (gnomAD no frequency). This sequence change replaces proline, which is neutral and non-polar, with alanine, which is neutral and non-polar, at codon 1045 of the MET protein (p.Pro1045Ala). In summary, the available evidence is currently insufficient to determine the role of this variant in disease. Therefore, it has been classified as a Variant of Uncertain Significance.